The following is an entry in ClinVar:

ClinVar aggregate classification (germline): Benign (0 of 4 stars; one submission).

Conditions:
TIAM1-related disorder. Also called: TIAM1-related condition.

Allele frequency attached by ClinVar (database versions not stated): gnomAD exomes 0.00014; TOPMed 0.00018; gnomAD 0.00019; ESP Exome Variant Server 0.00023; ExAC 0.00030.
gnomAD v4.1: 256 of 1,614,068 alleles (0.016%); highest among the groups gnomAD compares: African/African-American, 0.0053%; 1 homozygote.

Submission:

PreventionGenetics, part of Exact Sciences
Classification: Benign for TIAM1-related condition. Last evaluated: 2019-09-06. Review status: no assertion criteria provided. Collection method: clinical testing. Allele origin: germline.
Comment: This variant is classified as benign based on ACMG/AMP sequence variant interpretation guidelines (Richards et al. 2015 PMID: 25741868, with internal and published modifications).

NM_001353694.2(TIAM1):c.246A>G (p.Leu82=)

Gene: TIAM1 (TIAM Rac1 associated GEF 1; minus strand). Cytogenetic location: 21q22.11.
Variant type: single nucleotide variant.
Coding change: c.246A>G on transcript NM_001353694.2 (MANE Select); coding-DNA position 246, A replaced by G.
Protein change: p.Leu82=; no amino-acid change (leucine 82 retained).
Molecular consequence: synonymous variant.
Genome position (GRCh38, 1-based): chr21:31,266,727, T>C on the plus strand (A>G on the coding strand, the complement: TIAM1 is on the minus strand). VCF-style: chr21-31266727-T-C. GRCh37 (hg19) VCF-style: chr21-32639043-T-C.
Other names: c.246A>G, p.Leu82= (NM_001353686.2, NM_001353687.2, NM_001353688.1 and 6 more transcripts).
Identifiers: ClinVar variation 3052704 (VCV003052704.2), dbSNP rs144416048, ClinGen allele CA9998712.